The following is an entry in ClinVar:

ClinVar aggregate classification (germline): Likely pathogenic (1 of 4 stars; one submission).

Conditions:
Hereditary cancer-predisposing syndrome. Also called: Hereditary Cancer Syndrome; Tumor predisposition; Hereditary neoplastic syndrome; Neoplastic Syndromes, Hereditary. Identifiers: Orphanet 140162, MedGen C0027672, MeSH D009386, MONDO:0015356.
Cardiovascular phenotype. Identifiers: MedGen CN230736.

Submission:

Ambry Genetics
Classification: Likely pathogenic for Cardiovascular phenotype; Hereditary cancer-predisposing syndrome. Last evaluated: 2024-09-03. Review status: criteria provided, single submitter. Criteria: Ambry Variant Classification Scheme 2023. Collection method: clinical testing. Allele origin: germline.
Comment: The c.8050+1G>T intronic variant results from a G to T substitution one nucleotide after coding exon 54 of the NF1 gene. This variant has been observed in at least one individual with a personal and/or family history that is consistent with neurofibromatosis type 1 (Ambry internal data). Alterations that disrupt the canonical splice site are expected to cause aberrant splicing, resulting in an abnormal protein or a transcript that is subject to nonsense-mediated mRNA decay. This nucleotide position is highly conserved in available vertebrate species. In silico splice site analysis predicts that this alteration will weaken the native splice donor site; however, direct evidence is insufficient at this time (Ambry internal data). Based on the majority of available evidence to date, this variant is likely to be pathogenic.

NM_001042492.3(NF1):c.8113+1G>T

Gene: NF1 (neurofibromin 1; plus strand). Cytogenetic location: 17q11.2.
Variant type: single nucleotide variant.
Coding change: c.8113+1G>T on transcript NM_001042492.3 (MANE Select); the canonical splice donor site of the intron after coding-DNA position 8113, G replaced by T.
Molecular consequence: splice donor variant.
Genome position (GRCh38, 1-based): chr17:31,358,623, G>T. VCF-style: chr17-31358623-G-T. GRCh37 (hg19) VCF-style: chr17-29685641-G-T.
Other names: c.8050+1G>T (NM_000267.4).
Identifiers: ClinVar variation 3404713 (VCV003404713.1).